The following is an entry in ClinVar:

NM_022041.4(GAN):c.1577G>T (p.Gly526Val)

Gene: GAN (gigaxonin; plus strand). Cytogenetic location: 16q23.2.
Variant type: single nucleotide variant.
Coding change: c.1577G>T on transcript NM_022041.4 (MANE Select); coding-DNA position 1577, G replaced by T.
Protein change: p.Gly526Val; replaces glycine 526 with valine.
Molecular consequence: missense variant.
Genome position (GRCh38, 1-based): chr16:81,377,293, G>T. VCF-style: chr16-81377293-G-T. GRCh37 (hg19) VCF-style: chr16-81410898-G-T.
Other names: c.938G>T, p.Gly313Val (NM_001377486.1); short protein forms G526V, G313V.
Identifiers: ClinVar variation 856224 (VCV000856224.9), dbSNP rs1904284720, ClinGen allele CA396892166.

ClinVar aggregate classification (germline): Uncertain significance (1 of 4 stars; one submission).

Conditions:
Giant axonal neuropathy 1 (GAN1). Also called: GAN-Related Neurodegeneration; GIANT AXONAL NEUROPATHY 1, AUTOSOMAL RECESSIVE. Identifiers: Orphanet 643, MedGen C1850386, MONDO:0009749, OMIM 256850.

Submission:

Labcorp Genetics (formerly Invitae), Labcorp
Classification: Uncertain significance for Giant axonal neuropathy 1. Last evaluated: 2022-02-09. Review status: criteria provided, single submitter. Criteria: Invitae Variant Classification Sherloc (09022015). Collection method: clinical testing. Allele origin: germline.
Comment: In summary, the available evidence is currently insufficient to determine the role of this variant in disease. Therefore, it has been classified as a Variant of Uncertain Significance. Algorithms developed to predict the effect of missense changes on protein structure and function are either unavailable or do not agree on the potential impact of this missense change (SIFT: "Tolerated"; PolyPhen-2: "Probably Damaging"; Align-GVGD: "Class C0"). ClinVar contains an entry for this variant (Variation ID: 856224). This variant has not been reported in the literature in individuals affected with GAN-related conditions. This variant is not present in population databases (gnomAD no frequency). This sequence change replaces glycine, which is neutral and non-polar, with valine, which is neutral and non-polar, at codon 526 of the GAN protein (p.Gly526Val).